The following is an entry in ClinVar:

NM_015443.4(KANSL1):c.641G>A (p.Ser214Asn)

Gene: KANSL1 (KAT8 regulatory NSL complex subunit 1). Cytogenetic location: 17q21.31.
Variant type: single nucleotide variant.
Coding change: c.641G>A on transcript NM_015443.4 (MANE Select); coding-DNA position 641, G replaced by A.
Protein change: p.Ser214Asn; replaces serine 214 with asparagine.
Molecular consequence: missense variant.
Genome position (GRCh38, 1-based): chr17:46,171,503, C>T on the plus strand (G>A on the coding strand, the complement: KANSL1 is on the minus strand). VCF-style: chr17-46171503-C-T. GRCh37 (hg19) VCF-style: chr17-44248869-C-T.
Other names: c.641G>A, p.Ser214Asn (NM_001193465.2, NM_001193466.2, NM_001379198.1); short protein forms S214N.
Identifiers: ClinVar variation 536302 (VCV000536302.9), dbSNP rs746645554, ClinGen allele CA8619007.

ClinVar aggregate classification (germline): Uncertain significance. Review status: criteria provided, multiple submitters, no conflicts (2 of 4 stars). 2 submissions from 2 submitters: Uncertain significance (2). Last evaluated 2024-06-20.

Conditions:
Koolen-de Vries syndrome (KDVS). Identifiers: Orphanet 96169, MedGen C1864871, MONDO:0012496, OMIM 610443.

Allele frequency attached by ClinVar (database versions not stated): ExAC 0.00002; gnomAD exomes 0.00002 and 0.00001; TOPMed 0.00001.
gnomAD v4.1: 25 of 1,613,954 alleles (0.0015%); highest among the groups gnomAD compares: African/African-American, 0.004%; no homozygotes.

Submissions (2):

Fulgent Genetics
Classification: Uncertain significance for Koolen-de Vries syndrome. Last evaluated: 2024-06-20. Review status: criteria provided, single submitter. Criteria: ACMG Guidelines, 2015. Collection method: clinical testing. Allele origin: germline.

Labcorp Genetics (formerly Invitae), Labcorp
Classification: Uncertain significance for Koolen-de Vries syndrome. Last evaluated: 2022-07-26. Review status: criteria provided, single submitter. Criteria: Invitae Variant Classification Sherloc (09022015). Collection method: clinical testing. Allele origin: germline.
Comment: Until the location of this sequence change can be resolved, the clinical significance of this variant remains uncertain. It has been classified as a Variant of Uncertain Significance. Algorithms developed to predict the effect of missense changes on protein structure and function output the following: SIFT: "Tolerated"; PolyPhen-2: "Benign"; Align-GVGD: "Class C0". The asparagine amino acid residue is found in multiple mammalian species, which suggests that this missense change does not adversely affect protein function. ClinVar contains an entry for this variant (Variation ID: 536302). This variant has not been reported in the literature in individuals with KANSL1-related conditions. The frequency data for this variant in the population databases (gnomAD) is considered unreliable due to the presence of homologous sequence, such as pseudogenes or paralogs, in the genome. This sequence change replaces serine, which is neutral and polar, with asparagine, which is neutral and polar, at codon 214 of the KANSL1 protein (p.Ser214Asn). Due to the possible presence of a polymorphic segmental duplication, the location of the variant could not be unambiguously resolved. Variants with ambiguous mapping are still reported relative to the KANSL1 transcript.